The following is an entry in ClinVar:

NC_012920.1(MT-CO1):m.7041G>A

Gene: MT-CO1 (mitochondrially encoded cytochrome c oxidase I; plus strand).
Variant type: single nucleotide variant.
Genome position: chrM-7041-G-A.
Identifiers: ClinVar variation 440983 (VCV000440983.4), dbSNP rs1556423220, ClinGen allele CA414790851.
Genomic context (GRCh38, chrMT:7,041, plus strand): 5'-AACTCATCACTAGACATCGTACTACACGACACGTACTACGTTGTAGCCCACTTCCACTAT[G>A]TCCTATCAATAGGAGCTGTATTTGCCATCATAGGAGGCTTCATTCACTGATTTCCCCTAT-3'

ClinVar aggregate classification (germline): Uncertain significance. Review status: criteria provided, multiple submitters, no conflicts (2 of 4 stars). 2 submissions from 2 submitters: Uncertain significance (2). Last evaluated 2025-12-31.

Conditions:
Mitochondrial DNA-related disorder. Also called: Mt-DNA-related disorders. Identifiers: MedGen CN552492.
Leigh syndrome (NULS). Also called: Leigh's necrotizing encephalopathy; Leigh's disease; LEIGH SYNDROME, NUCLEAR; Leigh's syndrome; Leigh Syndrome (mtDNA deletion); Leigh Disease. Identifiers: Orphanet 506, MedGen C2931891, MONDO:0009723, OMIM 256000.
Leber optic atrophy (LHON). Also called: Optic Atrophy, Hereditary, Leber; Leber hereditary optic neuropathy; Leber's disease; Leber's optic atrophy. Identifiers: Orphanet 104, MedGen C0917796, MONDO:0010788, OMIM 535000, HP:0001112.

Submissions (2):

3billion
Classification: Uncertain significance for Leber optic atrophy. Last evaluated: 2025-12-31. Review status: criteria provided, single submitter. Criteria: ACMG Guidelines, 2015. Collection method: clinical testing. Allele origin: germline. Affected: yes.
Comment: The variant is observed in the gnomAD v4.1.0 dataset (total allele frequency: 0.009%, homoplasmic allele frequency: 0.019%). Predicted Consequence/Location: Mitochondrial variant In silico tool predictions suggest no damaging effect of the variant on gene or gene product [APOGEE : 0.201]. The same nucleotide change has been previously reported as of variant of uncertain significance (ClinVar: VCV000440983). Therefore, this variant is classified as VUS according to the recommendation of ACMG/AMP guideline.

Wong Mito Lab, Molecular and Human Genetics, Baylor College of Medicine
Classification: Uncertain significance for Leigh syndrome. Last evaluated: 2019-10-17. Review status: criteria provided, single submitter. Criteria: Modified ACMG Guidelines (Unpublished). Collection method: clinical testing. Allele origin: germline.
Comment: The NC_012920.1:m.7041G>A (YP_003024028.1:p.Val380Ile) variant in MTCO1 gene is interpretated to be a Uncertain Significance variant based on the modified ACMG guidelines (unpublished). This variant meets the following evidence codes: PP3, PP4, PP6, BS1

Literature cited by the submitters: PubMed 15647368 (cited by 3billion).